The following is an entry in ClinVar:

ClinVar aggregate classification (germline): Pathogenic. Review status: criteria provided, multiple submitters, no conflicts (2 of 4 stars). 3 submissions from 3 submitters: Pathogenic (3). Last evaluated 2023-08-23.

Conditions:
Hereditary cancer-predisposing syndrome. Also called: Neoplastic Syndromes, Hereditary; Tumor predisposition; Hereditary neoplastic syndrome; Hereditary Cancer Syndrome. Identifiers: Orphanet 140162, MedGen C0027672, MeSH D009386, MONDO:0015356.
Hereditary nonpolyposis colorectal neoplasms. Identifiers: MedGen C0009405, MeSH D003123.
Lynch syndrome 5 (LYNCH5). Also called: Colorectal cancer, hereditary nonpolyposis, type 5; Hereditary non-polyposis colorectal cancer, type 5. Identifiers: Orphanet 144, MedGen C1833477, MONDO:0013710, OMIM 614350. Disease mechanism: loss of function.

Submissions (3):

Myriad Genetics, Inc.
Classification: Pathogenic for Lynch syndrome 5. Last evaluated: 2023-08-23. Review status: criteria provided, single submitter. Criteria: Myriad Autosomal Dominant, Autosomal Recessive and X-Linked Classification Criteria (2023). Collection method: clinical testing. Allele origin: unknown.
Comment: This variant is considered pathogenic. This variant creates a frameshift predicted to result in premature protein truncation.

Ambry Genetics
Classification: Pathogenic for Hereditary cancer-predisposing syndrome. Last evaluated: 2022-12-12. Review status: criteria provided, single submitter. Criteria: Ambry Variant Classification Scheme 2023. Collection method: clinical testing. Allele origin: germline.
Comment: The c.3475delT pathogenic mutation, located in coding exon 6 of the MSH6 gene, results from a deletion of one nucleotide at nucleotide position 3475, causing a translational frameshift with a predicted alternate stop codon (p.Y1159Tfs*25). This alteration is expected to result in loss of function by premature protein truncation or nonsense-mediated mRNA decay. As such, this alteration is interpreted as a disease-causing mutation.

Labcorp Genetics (formerly Invitae), Labcorp
Classification: Pathogenic for Hereditary nonpolyposis colorectal neoplasms. Last evaluated: 2021-06-25. Review status: criteria provided, single submitter. Criteria: Invitae Variant Classification Sherloc (09022015). Collection method: clinical testing. Allele origin: germline.
Comment: This variant has not been reported in the literature in individuals with MSH6-related conditions. ClinVar contains an entry for this variant (Variation ID: 823815). For these reasons, this variant has been classified as Pathogenic. This variant is not present in population databases (ExAC no frequency). This sequence change creates a premature translational stop signal (p.Tyr1159Thrfs*25) in the MSH6 gene. It is expected to result in an absent or disrupted protein product. Loss-of-function variants in MSH6 are known to be pathogenic (PMID: 18269114, 24362816).

Literature cited by the submitters: PubMed 18269114 (cited by Labcorp Genetics (formerly Invitae), Labcorp); PubMed 24362816 (cited by Labcorp Genetics (formerly Invitae), Labcorp).

NM_000179.3(MSH6):c.3475del (p.Tyr1159fs)

Gene: MSH6 (mutS homolog 6; plus strand). Cytogenetic location: 2p16.3.
Variant type: Deletion.
Coding change: c.3475del on transcript NM_000179.3 (MANE Select); coding-DNA position 3475, one base deleted (T; older notation c.3475delT).
Protein change: p.Tyr1159fs; shifts the reading frame from tyrosine 1159.
Molecular consequence: frameshift variant.
Genome position (GRCh38, 1-based): chr2:47,804,946, T deleted; the last of 2 consecutive T bases (chr2:47,804,945-47,804,946); deleting either gives the same sequence. VCF-style (leftmost placement, unchanged base first): chr2-47804944-GT-G. GRCh37 (hg19) VCF-style: chr2-48032083-GT-G.
Other names: c.3085del, p.Tyr1029fs (NM_001281492.2); c.2569del, p.Tyr857fs (NM_001281493.2, NM_001281494.2); short protein forms Y857fs, Y1029fs, Y1159fs.
Identifiers: ClinVar variation 823815 (VCV000823815.12), dbSNP rs1572738533, ClinGen allele CA915943956.